The following is an entry in ClinVar:

ClinVar aggregate classification (germline): Benign. Review status: criteria provided, multiple submitters, no conflicts (2 of 4 stars). 2 submissions from 2 submitters: Benign (2). Last evaluated 2024-10-22.

Conditions:
Polycystic liver disease 1 (PCLD1). Also called: Polycystic liver disease 1 with or without kidney cysts. Identifiers: Orphanet 2924, MedGen C0887850, MONDO:0008265, OMIM 174050.

Allele frequency attached by ClinVar (database versions not stated): gnomAD 0.00010; TOPMed 0.00014; ESP Exome Variant Server 0.00015.
gnomAD v4.1: 160 of 1,613,570 alleles (0.0099%); highest among the groups gnomAD compares: East Asian, 0.011%; no homozygotes.

Submissions (2):

Labcorp Genetics (formerly Invitae), Labcorp
Classification: Benign. Last evaluated: 2024-10-22. Review status: criteria provided, single submitter. Criteria: Invitae Variant Classification Sherloc (09022015). Collection method: clinical testing. Allele origin: germline.

Illumina Laboratory Services, Illumina
Classification: Benign for Polycystic liver disease 1. Last evaluated: 2018-01-12. Review status: criteria provided, single submitter. Criteria: ICSL Variant Classification Criteria 13 December 2019. Collection method: clinical testing. Allele origin: germline.
Comment: This variant was observed in the ICSL laboratory as part of a predisposition screen in an ostensibly healthy population. It had not been previously curated by ICSL or reported in the Human Gene Mutation Database (HGMD: prior to June 1st, 2018), and was therefore a candidate for classification through an automated scoring system. Utilizing variant allele frequency, disease prevalence and penetrance estimates, and inheritance mode, an automated score was calculated to assess if this variant is too frequent to cause the disease. Based on the score and internal cut-off values, a variant classified as benign is not then subjected to further curation. The score for this variant resulted in a classification of benign for this disease.

NM_001289104.2(PRKCSH):c.690G>A (p.Ser230=)

Gene: PRKCSH (PRKCSH beta subunit of glucosidase II; plus strand). Cytogenetic location: 19p13.2.
Variant type: single nucleotide variant.
Coding change: c.690G>A on transcript NM_001289104.2 (MANE Select); coding-DNA position 690, G replaced by A.
Protein change: p.Ser230=; no amino-acid change (serine 230 retained).
Molecular consequence: synonymous variant.
Genome position (GRCh38, 1-based): chr19:11,446,278, G>A. VCF-style: chr19-11446278-G-A. GRCh37 (hg19) VCF-style: chr19-11557093-G-A.
Other names: c.690G>A, p.Ser230= (NM_001001329.3, NM_001289102.2, NM_001289103.2 and 3 more transcripts).
Identifiers: ClinVar variation 328177 (VCV000328177.7), dbSNP rs373431632, ClinGen allele CA9212947.